The following is an entry in ClinVar:

ClinVar aggregate classification (germline): Uncertain significance (1 of 4 stars; one submission).

Conditions:
Hereditary breast ovarian cancer syndrome. Also called: Hereditary breast and ovarian cancer syndrome (HBOC); Breast and ovarian cancer; Hereditary breast and/or ovarian cancer syndrome; BRCA1- and BRCA2-Associated Hereditary Breast and Ovarian Cancer; Hereditary breast and ovarian cancer syndrome; Hereditary breast and ovarian cancer. Identifiers: Orphanet 145, MedGen C0677776, MeSH D061325, MONDO:0003582. Disease mechanism: loss of function.

Submission:

Labcorp Genetics (formerly Invitae), Labcorp
Classification: Uncertain significance for Hereditary breast ovarian cancer syndrome. Last evaluated: 2022-10-03. Review status: criteria provided, single submitter. Criteria: Invitae Variant Classification Sherloc (09022015). Collection method: clinical testing. Allele origin: germline.
Comment: This variant results in a copy number gain of the genomic region encompassing exon(s) 8-16 of the BRCA1 gene. While the exact position of this variant cannot be determined from the data, sub-genic copy number gains are generally in tandem (PMID: 25640679). This variant is predicted to be in-frame, and likely preserves the integrity of the reading frame. This variant has not been reported in the literature in individuals affected with BRCA1-related conditions. Experimental studies and prediction algorithms are not available or were not evaluated, and the functional significance of this variant is currently unknown. In summary, the available evidence is currently insufficient to determine the role of this variant in disease. Therefore, it has been classified as a Variant of Uncertain Significance.

Literature cited by the submitters: PubMed 25640679.

NC_000017.10:g.(?_41219605)_(41249326_?)dup

Gene: BRCA1 (BRCA1 DNA repair associated; minus strand). Cytogenetic location: 17q21.31.
Variant type: Duplication.
Identifiers: ClinVar variation 1064247 (VCV001064247.2).